The following is an entry in ClinVar:

ClinVar aggregate classification (germline): Uncertain significance (1 of 4 stars; one submission).

Conditions:
Arrhythmogenic right ventricular dysplasia 11. Also called: ARRHYTHMOGENIC RIGHT VENTRICULAR DYSPLASIA, FAMILIAL, 11; Arrhythmogenic Right Ventricular Dysplasia/Cardiomyopathy11; Arrhythmogenic right ventricular dysplasia 11 with mild palmoplantar keratoderma and woolly hair. Identifiers: MedGen C1864850, MONDO:0012506, OMIM 610476.

Submission:

Labcorp Genetics (formerly Invitae), Labcorp
Classification: Uncertain significance for Arrhythmogenic right ventricular dysplasia 11. Last evaluated: 2025-09-14. Review status: criteria provided, single submitter. Criteria: Invitae Variant Classification Sherloc (09022015). Collection method: clinical testing. Allele origin: germline.
Comment: This sequence change falls in intron 3 of the DSC2 gene. It does not directly change the encoded amino acid sequence of the DSC2 protein. It affects a nucleotide within the consensus splice site. This variant is not present in population databases (gnomAD no frequency). This variant has not been reported in the literature in individuals affected with DSC2-related conditions. Variants that disrupt the consensus splice site are a relatively common cause of aberrant splicing (PMID: 17576681, 9536098). Algorithms developed to predict the effect of sequence changes on RNA splicing suggest that this variant is not likely to affect RNA splicing. In summary, the available evidence is currently insufficient to determine the role of this variant in disease. Therefore, it has been classified as a Variant of Uncertain Significance.

Literature cited by the submitters: PubMed 17576681; PubMed 9536098.

NM_024422.6(DSC2):c.355-3G>C

Gene: DSC2 (desmocollin 2; minus strand). Cytogenetic location: 18q12.1.
Variant type: single nucleotide variant.
Coding change: c.355-3G>C on transcript NM_024422.6 (MANE Select); 3 bases into the intron before coding-DNA position 355, G replaced by C.
Molecular consequence: intron variant.
Genome position (GRCh38, 1-based): chr18:31,091,150, C>G on the plus strand (G>C on the coding strand, the complement: DSC2 is on the minus strand). VCF-style: chr18-31091150-C-G. GRCh37 (hg19) VCF-style: chr18-28671113-C-G.
Other names: c.355-3G>C (NM_004949.5); c.-75-3G>C (NM_001406506.1, NM_001406507.1).
Identifiers: ClinVar variation 4808350 (VCV004808350.1).